The following is an entry in ClinVar:

NM_004928.3(CFAP410):c.9G>T (p.Leu3=)

Genes: CFAP410 (cilia and flagella associated protein 410; minus strand), LOC130066823 (ATAC-STARR-seq lymphoblastoid silent region 13383; plus strand). Cytogenetic location: 21q22.3.
Variant type: single nucleotide variant.
Coding change: c.9G>T on transcript NM_004928.3 (MANE Select); coding-DNA position 9, G replaced by T.
Protein change: p.Leu3=; no amino-acid change (leucine 3 retained).
Molecular consequence: synonymous variant.
Genome position (GRCh38, 1-based): chr21:44,339,186, C>A on the plus strand (G>T on the coding strand, the complement: CFAP410 is on the minus strand). VCF-style: chr21-44339186-C-A. GRCh37 (hg19) VCF-style: chr21-45759069-C-A.
Other names: c.9G>T, p.Leu3= (NM_001271440.2, NM_001271441.2).
Identifiers: ClinVar variation 3356518 (VCV003356518.3).

ClinVar aggregate classification (germline): Likely benign. Review status: criteria provided, single submitter (1 of 4 stars). 2 submissions from 2 submitters: Likely benign (1). 1 of the submissions does not count toward it. Last evaluated 2025-01-21.

Conditions:
CFAP410-related disorder. Also called: CFAP410-related condition.

gnomAD v4.1: 2 of 1,466,752 alleles (0.00014%); highest among the groups gnomAD compares: Admixed American, 0.0025%; no homozygotes.

Submissions (2):

Labcorp Genetics (formerly Invitae), Labcorp
Classification: Likely benign. Last evaluated: 2025-01-21. Review status: criteria provided, single submitter. Criteria: Invitae Variant Classification Sherloc (09022015). Collection method: clinical testing. Allele origin: germline.

PreventionGenetics, part of Exact Sciences
Classification: Likely benign for CFAP410-related condition. Last evaluated: 2022-12-16. Review status: no assertion criteria provided. Collection method: clinical testing. Allele origin: germline. Not counted in ClinVar's aggregate classification.
Comment: This variant is classified as likely benign based on ACMG/AMP sequence variant interpretation guidelines (Richards et al. 2015 PMID: 25741868, with internal and published modifications).